The following is an entry in ClinVar:

NM_000257.4(MYH7):c.2156G>C (p.Arg719Pro)

Gene: MYH7 (myosin heavy chain 7; minus strand). Cytogenetic location: 14q11.2.
Variant type: single nucleotide variant.
Coding change: c.2156G>C on transcript NM_000257.4 (MANE Select); coding-DNA position 2156, G replaced by C.
Protein change: p.Arg719Pro; replaces arginine 719 with proline.
Molecular consequence: missense variant.
Genome position (GRCh38, 1-based): chr14:23,425,970, C>G on the plus strand (G>C on the coding strand, the complement: MYH7 is on the minus strand). VCF-style: chr14-23425970-C-G. GRCh37 (hg19) VCF-style: chr14-23895179-C-G.
Other names: short protein forms R719P.
Identifiers: ClinVar variation 217460 (VCV000217460.11), dbSNP rs121913641, ClinGen allele CA277665.

ClinVar aggregate classification (germline): Conflicting classifications of pathogenicity. Review status: criteria provided, conflicting classifications (1 of 4 stars). 3 submissions from 3 submitters: Pathogenic (1); Likely pathogenic (1); Uncertain significance (1). Last evaluated 2024-05-20.

Conditions:
Hypertrophic cardiomyopathy 1 (CMH1). Also called: MYH7-Related Familial Hypertrophic Cardiomyopathy; Familial hypertrophic cardiomyopathy 1. Identifiers: MedGen C3495498, MONDO:0008647, OMIM 192600.
Hypertrophic cardiomyopathy. Also called: HYPERTROPHIC MYOCARDIOPATHY. Identifiers: Orphanet 217569, MedGen C0007194, MeSH D002312, MONDO:0005045, HP:0001639.

Submissions (3):

Labcorp Genetics (formerly Invitae), Labcorp
Classification: Pathogenic for Hypertrophic cardiomyopathy. Last evaluated: 2024-05-20. Review status: criteria provided, single submitter. Criteria: Invitae Variant Classification Sherloc (09022015). Collection method: clinical testing. Allele origin: germline.
Comment: This sequence change replaces arginine, which is basic and polar, with proline, which is neutral and non-polar, at codon 719 of the MYH7 protein (p.Arg719Pro). This variant is not present in population databases (gnomAD no frequency). This missense change has been observed in individuals with clinical features of hypertrophic cardiomyopathy (PMID: 14563299, 24093860, 25935763, 27247418). ClinVar contains an entry for this variant (Variation ID: 217460). Advanced modeling of protein sequence and biophysical properties (such as structural, functional, and spatial information, amino acid conservation, physicochemical variation, residue mobility, and thermodynamic stability) performed at Invitae indicates that this missense variant is expected to disrupt MYH7 protein function with a positive predictive value of 95%. This variant disrupts the p.Arg719 amino acid residue in MYH7. Other variant(s) that disrupt this residue have been determined to be pathogenic (PMID: 7848441, 10882745, 15358028, 15519027, 15858117). This suggests that this residue is clinically significant, and that variants that disrupt this residue are likely to be disease-causing. For these reasons, this variant has been classified as Pathogenic.

Stanford Center for Inherited Cardiovascular Disease, Stanford University
Classification: Uncertain significance. Last evaluated: 2015-06-10. Review status: criteria provided, single submitter. Criteria: ACMG Guidelines, 2015. Collection method: provider interpretation. Allele origin: germline.

Laboratory of Genetics and Molecular Cardiology, University of São Paulo
Classification: Likely pathogenic for Hypertrophic cardiomyopathy 1. Review status: criteria provided, single submitter. Criteria: LGCM Criteria August 2015. Collection method: clinical testing. Allele origin: germline. Inheritance: Autosomal dominant inheritance. Affected: yes. Observed: 2 variant alleles. Study: Sarcomeric Human Cardiomyopathy Registry (ShaRe).

Literature cited by the submitters: PubMed 14563299 (cited by Labcorp Genetics (formerly Invitae), Labcorp); PubMed 24093860 (cited by Labcorp Genetics (formerly Invitae), Labcorp); PubMed 25935763 (cited by Labcorp Genetics (formerly Invitae), Labcorp and Laboratory of Genetics and Molecular Cardiology, University of São Paulo); PubMed 27247418 (cited by Labcorp Genetics (formerly Invitae), Labcorp); PubMed 7848441 (cited by Labcorp Genetics (formerly Invitae), Labcorp); PubMed 10882745 (cited by Labcorp Genetics (formerly Invitae), Labcorp); PubMed 15358028 (cited by Labcorp Genetics (formerly Invitae), Labcorp); PubMed 15519027 (cited by Labcorp Genetics (formerly Invitae), Labcorp); PubMed 15858117 (cited by Labcorp Genetics (formerly Invitae), Labcorp).